The following is an entry in ClinVar:

NM_015450.3(POT1):c.1088G>A (p.Arg363Gln)

Gene: POT1 (protection of telomeres 1; minus strand). Cytogenetic location: 7q31.33.
Variant type: single nucleotide variant.
Coding change: c.1088G>A on transcript NM_015450.3 (MANE Select); coding-DNA position 1088, G replaced by A.
Protein change: p.Arg363Gln; replaces arginine 363 with glutamine.
Molecular consequence: missense variant. On other transcripts: non-coding transcript variant (3).
Genome position (GRCh38, 1-based): chr7:124,842,882, C>T on the plus strand (G>A on the coding strand, the complement: POT1 is on the minus strand). VCF-style: chr7-124842882-C-T. GRCh37 (hg19) VCF-style: chr7-124482936-C-T.
Other names: c.695G>A, p.Arg232Gln (NM_001042594.2); short protein forms R232Q, R363Q.
Identifiers: ClinVar variation 836410 (VCV000836410.12), dbSNP rs141407528, ClinGen allele CA4465229.
Genomic context (GRCh38, chr7:124,842,882, plus strand): 5'-GGGCAATGAAGTTTAACAGACTGAAATAGTCTTCTGGGCTTATATGACCTCAATTTTGCT[C>T]GGATGCGGTATTGTTGAGGAGCTTTTTGTTTCAAAATGGCACATAGTGGTGTCCTCTCCA-3'
Protein context (NP_056265.2, residues 353-373): KQKAPQQYRI[Arg363Gln]AKLRSYKPRR

ClinVar aggregate classification (germline): Uncertain significance. Review status: criteria provided, multiple submitters, no conflicts (2 of 4 stars). 2 submissions from 2 submitters: Uncertain significance (2). Last evaluated 2025-10-23.

Conditions:
Hereditary cancer-predisposing syndrome. Also called: Tumor predisposition; Hereditary Cancer Syndrome; Hereditary neoplastic syndrome; Neoplastic Syndromes, Hereditary. Identifiers: Orphanet 140162, MedGen C0027672, MeSH D009386, MONDO:0015356.
Tumor predisposition syndrome 3 (TPDS3). Also called: Glioma susceptibility 9; LONG TELOMERE SYNDROME, POT1-RELATED; POT1 Tumor Predisposition; Melanoma, cutaneous malignant, susceptibility to, 10. Identifiers: Orphanet 618, MedGen C4014476, MONDO:0014368, OMIM 615848.

Allele frequency attached by ClinVar (database versions not stated): TOPMed 0.00002; gnomAD 0.00003; ESP Exome Variant Server 0.00008.

Submissions (2):

Labcorp Genetics (formerly Invitae), Labcorp
Classification: Uncertain significance for Tumor predisposition syndrome 3. Last evaluated: 2025-10-23. Review status: criteria provided, single submitter. Criteria: Invitae Variant Classification Sherloc (09022015). Collection method: clinical testing. Allele origin: germline.
Comment: This sequence change replaces arginine, which is basic and polar, with glutamine, which is neutral and polar, at codon 363 of the POT1 protein (p.Arg363Gln). This variant is present in population databases (rs141407528, gnomAD 0.01%). This variant has not been reported in the literature in individuals affected with POT1-related conditions. ClinVar contains an entry for this variant (Variation ID: 836410). Invitae Evidence Modeling of protein sequence and biophysical properties (such as structural, functional, and spatial information, amino acid conservation, physicochemical variation, residue mobility, and thermodynamic stability) indicates that this missense variant is not expected to disrupt POT1 protein function with a negative predictive value of 80%. In summary, the available evidence is currently insufficient to determine the role of this variant in disease. Therefore, it has been classified as a Variant of Uncertain Significance.

Ambry Genetics
Classification: Uncertain significance for Hereditary cancer-predisposing syndrome. Last evaluated: 2024-08-14. Review status: criteria provided, single submitter. Criteria: Ambry Variant Classification Scheme 2023. Collection method: clinical testing. Allele origin: germline.